The following is an entry in ClinVar:

NM_000051.4(ATM):c.*3072C>T

Genes: ATM (ATM serine/threonine kinase; plus strand), C11orf65 (chromosome 11 open reading frame 65; minus strand). Cytogenetic location: 11q22.3.
Variant type: single nucleotide variant.
Coding change: c.*3072C>T on transcript NM_000051.4 (MANE Select); 3072 bases downstream of the stop codon, C replaced by T.
Molecular consequence: 3 prime UTR variant. On other transcripts: intron variant (2).
Genome position (GRCh38, 1-based): chr11:108,368,580, C>T. VCF-style: chr11-108368580-C-T. GRCh37 (hg19) VCF-style: chr11-108239307-C-T.
Other names: c.*3072C>T (NM_001351834.2); c.640+17340G>A (NM_001330368.2); c.694+17340G>A (NM_001351110.2).
Identifiers: ClinVar variation 302292 (VCV000302292.7), dbSNP rs3092844, ClinGen allele CA10637037.

ClinVar aggregate classification (germline): Benign (1 of 4 stars; one submission).

Conditions:
Ataxia-telangiectasia syndrome (AT). Also called: Ataxia telangiectasia (A-T); Cerebello-oculocutaneous telangiectasia; Immunodeficiency with ataxia telangiectasia; LOUIS-BAR SYNDROME; AT, COMPLEMENTATION GROUP C; ATAXIA-TELANGIECTASIA, FRESNO VARIANT. Identifiers: Orphanet 100, MedGen C0004135, MONDO:0008840, OMIM 208900.

Allele frequency attached by ClinVar (database versions not stated): TOPMed 0.06474; gnomAD 0.05783 and 0.06203; 1000 Genomes Project 0.06230; 1000 Genomes Project 30x 0.06590; gnomAD exomes 0.01199.
gnomAD v4.1: 9,560 of 218,244 alleles (4.4%); highest among the groups gnomAD compares: African/African-American, 19%; 874 homozygotes.

Submission:

Illumina Laboratory Services, Illumina
Classification: Benign for Ataxia-telangiectasia syndrome. Last evaluated: 2018-01-13. Review status: criteria provided, single submitter. Criteria: ICSL Variant Classification Criteria 13 December 2019. Collection method: clinical testing. Allele origin: germline.
Comment: This variant was observed in the ICSL laboratory as part of a predisposition screen in an ostensibly healthy population. It had not been previously curated by ICSL or reported in the Human Gene Mutation Database (HGMD: prior to June 1st, 2018), and was therefore a candidate for classification through an automated scoring system. Utilizing variant allele frequency, disease prevalence and penetrance estimates, and inheritance mode, an automated score was calculated to assess if this variant is too frequent to cause the disease. Based on the score and internal cut-off values, a variant classified as benign is not then subjected to further curation. The score for this variant resulted in a classification of benign for this disease.